The following is an entry in ClinVar:

NM_014252.4(SLC25A15):c.740C>T (p.Ala247Val)

Gene: SLC25A15 (solute carrier family 25 member 15; plus strand). Cytogenetic location: 13q14.11.
Variant type: single nucleotide variant.
Coding change: c.740C>T on transcript NM_014252.4 (MANE Select); coding-DNA position 740, C replaced by T.
Protein change: p.Ala247Val; replaces alanine 247 with valine.
Molecular consequence: missense variant.
Genome position (GRCh38, 1-based): chr13:40,808,555, C>T. VCF-style: chr13-40808555-C-T. GRCh37 (hg19) VCF-style: chr13-41382691-C-T.
Other names: short protein forms A247V.
Identifiers: ClinVar variation 4855197 (VCV004855197.1).

ClinVar aggregate classification (germline): Uncertain significance (1 of 4 stars; one submission).

Conditions:
Hyperornithinemia-hyperammonemia-homocitrullinuria syndrome (HHHS). Also called: HHH SYNDROME; Ornithine translocase deficiency. Identifiers: Orphanet 415, MedGen C0268540, MONDO:0009393, OMIM 238970.

Submission:

3billion
Classification: Uncertain significance for Hyperornithinemia-hyperammonemia-homocitrullinuria syndrome. Last evaluated: 2025-11-04. Review status: criteria provided, single submitter. Criteria: ACMG Guidelines, 2015. Collection method: clinical testing. Allele origin: germline. Affected: yes.
Comment: The variant is not observed in the gnomAD v4.1.0 dataset. Predicted Consequence/Location: Missense variant In silico tools predict the variant to alter splicing and produce an abnormal transcript [SpliceAI: 0.97 (>=0.2, moderate evidence for spliceogenicity)]. Therefore, this variant is classified as VUS according to the recommendation of ACMG/AMP guideline.